The following is an entry in ClinVar:

ClinVar aggregate classification (germline): Uncertain significance (1 of 4 stars; one submission).

Conditions:
Congenital muscular dystrophy due to integrin alpha-7 deficiency. Also called: MYOPATHY, CONGENITAL, DUE TO INTEGRIN ALPHA-7 DEFICIENCY; Congenital muscular dystrophy with integrin alpha-7 deficiency; Muscular dystrophy, congenital, due to ITGA7 deficiency. Identifiers: Orphanet 34520, MedGen C2750786, MONDO:0013177, OMIM 613204.

Allele frequency attached by ClinVar (database versions not stated): gnomAD exomes below 0.00001; gnomAD 0.00001; TOPMed 0.00001.
gnomAD v4.1: 4 of 1,613,652 alleles (0.00025%); highest among the groups gnomAD compares: East Asian, 0.0022%; no homozygotes.

Submission:

Labcorp Genetics (formerly Invitae), Labcorp
Classification: Uncertain significance for Congenital muscular dystrophy due to integrin alpha-7 deficiency. Last evaluated: 2021-08-30. Review status: criteria provided, single submitter. Criteria: Invitae Variant Classification Sherloc (09022015). Collection method: clinical testing. Allele origin: germline.
Comment: This sequence change replaces isoleucine with phenylalanine at codon 787 of the ITGA7 protein (p.Ile787Phe). The isoleucine residue is moderately conserved and there is a small physicochemical difference between isoleucine and phenylalanine. This variant is not present in population databases (ExAC no frequency). This variant has not been reported in the literature in individuals affected with ITGA7-related conditions. Algorithms developed to predict the effect of missense changes on protein structure and function are either unavailable or do not agree on the potential impact of this missense change (SIFT: "Tolerated"; PolyPhen-2: "Possibly Damaging"; Align-GVGD: "Class C0"). Algorithms developed to predict the effect of sequence changes on RNA splicing suggest that this variant may create or strengthen a splice site. In summary, the available evidence is currently insufficient to determine the role of this variant in disease. Therefore, it has been classified as a Variant of Uncertain Significance.

NM_002206.3(ITGA7):c.2359A>T (p.Ile787Phe)

Genes: ITGA7 (integrin subunit alpha 7; minus strand), LOC126861535 (CDK7 strongly-dependent group 2 enhancer GRCh37_chr12:56087579-56088778; plus strand). Cytogenetic location: 12q13.2.
Variant type: single nucleotide variant.
Coding change: c.2359A>T on transcript NM_002206.3 (MANE Select); coding-DNA position 2359, A replaced by T.
Protein change: p.Ile787Phe; replaces isoleucine 787 with phenylalanine.
Molecular consequence: missense variant.
Genome position (GRCh38, 1-based): chr12:55,694,329, T>A on the plus strand (A>T on the coding strand, the complement: ITGA7 is on the minus strand). VCF-style: chr12-55694329-T-A. GRCh37 (hg19) VCF-style: chr12-56088113-T-A.
Other names: c.2371A>T, p.Ile791Phe (NM_001144996.2); c.2080A>T, p.Ile694Phe (NM_001144997.2); c.2032A>T, p.Ile678Phe (NM_001367993.1); c.1015A>T, p.Ile339Phe (NM_001367994.1); c.2341A>T, p.Ile781Phe (NM_001374465.1); c.2491A>T, p.Ile831Phe (NM_001410977.1); c.2353A>T, p.Ile785Phe (NM_001414029.1); c.2284A>T, p.Ile762Phe (NM_001414030.1); and 5 more; short protein forms I781F, I791F, I339F, I694F, I678F, I787F, I831F, I674F.
Identifiers: ClinVar variation 1047074 (VCV001047074.6), dbSNP rs1307621254, ClinGen allele CA385183006.
Genomic context (GRCh38, chr12:55,694,329, plus strand): 5'-GTGGCAGCTCAATGAAGACACGGGCTCGTGCAGAGACTGGATGCAGCTCCTGCTCACTGA[T>A]CCTGGTGAGTGGGCAGGGGCAAGTATGGGCATCAGGCACAGGCACCTCCCAAGGGGTCAG-3'
Protein context (NP_002197.2, residues 777-797): ELEVELLLAT[Ile787Phe]SEQELHPVSA